The following is an entry in ClinVar:

NC_000023.10:g.(?_31613687)_(31792329_?)dup

Gene: DMD (dystrophin; minus strand). Cytogenetic location: Xp21.1.
Variant type: Duplication.
Identifiers: ClinVar variation 3243231 (VCV003243231.1).

ClinVar aggregate classification (germline): Likely pathogenic (1 of 4 stars; one submission).

Conditions:
Duchenne muscular dystrophy (DMD). Also called: MUSCULAR DYSTROPHY, PSEUDOHYPERTROPHIC PROGRESSIVE, DUCHENNE TYPE; Duchenne Muscular Dystrophy (DMD). Identifiers: Orphanet 98896, MedGen C0013264, MONDO:0010679, OMIM 310200.

Submission:

Labcorp Genetics (formerly Invitae), Labcorp
Classification: Likely pathogenic for Duchenne muscular dystrophy. Last evaluated: 2023-11-08. Review status: criteria provided, single submitter. Criteria: Invitae Variant Classification Sherloc (09022015). Collection method: clinical testing. Allele origin: unknown.
Comment: This variant results in a copy number gain of the genomic region encompassing exon(s) 51-55 of the DMD gene. While the exact position of this variant cannot be determined from the data, sub-genic copy number gains are generally in tandem (PMID: 25640679). This variant is predicted to be out-of-frame, and may result in an absent or disrupted protein product. Loss-of-function variants in DMD are known to be pathogenic (PMID: 16770791, 25007885). A similar copy number variant has been observed in individual(s) with Duchenne or Becker muscular dystrophy (PMID: 16917894). In summary, the currently available evidence indicates that the variant is pathogenic, but additional data are needed to prove that conclusively. Therefore, this variant has been classified as Likely Pathogenic.

Literature cited by the submitters: PubMed 25640679; PubMed 16770791; PubMed 25007885; PubMed 16917894.